The following is an entry in ClinVar:

ClinVar aggregate classification (germline): Uncertain significance. Review status: criteria provided, multiple submitters, no conflicts (2 of 4 stars). 2 submissions from 2 submitters: Uncertain significance (2). Last evaluated 2025-06-19.

Conditions:
DICER1-related tumor predisposition. Also called: DICER1-related pleuropulmonary blastoma cancer predisposition syndrome; DICER1 syndrome. Identifiers: Orphanet 284343, MedGen C3839822, MONDO:0100216.
Global developmental delay - lung cysts - overgrowth - Wilms tumor syndrome. Also called: GLOW Syndrome; GLOBAL DEVELOPMENTAL DELAY, LUNG CYSTS, OVERGROWTH, AND WILMS TUMOR. Identifiers: Orphanet 404476, MedGen C4748924, MONDO:0018445, OMIM 618272.

Submissions (2):

Labcorp Genetics (formerly Invitae), Labcorp
Classification: Uncertain significance for DICER1-related tumor predisposition. Last evaluated: 2025-06-19. Review status: criteria provided, single submitter. Criteria: Invitae Variant Classification Sherloc (09022015). Collection method: clinical testing. Allele origin: germline.
Comment: This sequence change replaces threonine, which is neutral and polar, with arginine, which is basic and polar, at codon 918 of the DICER1 protein (p.Thr918Arg). This variant is not present in population databases (gnomAD no frequency). This variant has not been reported in the literature in individuals affected with DICER1-related conditions. ClinVar contains an entry for this variant (Variation ID: 2674817). Invitae Evidence Modeling of protein sequence and biophysical properties (such as structural, functional, and spatial information, amino acid conservation, physicochemical variation, residue mobility, and thermodynamic stability) indicates that this missense variant is not expected to disrupt DICER1 protein function with a negative predictive value of 95%. In summary, the available evidence is currently insufficient to determine the role of this variant in disease. Therefore, it has been classified as a Variant of Uncertain Significance.

Baylor Genetics
Classification: Uncertain significance for Global developmental delay - lung cysts - overgrowth - Wilms tumor syndrome. Last evaluated: 2023-07-04. Review status: criteria provided, single submitter. Criteria: ACMG Guidelines, 2015. Collection method: clinical testing. Allele origin: unknown.

NM_177438.3(DICER1):c.2753C>G (p.Thr918Arg)

Gene: DICER1 (dicer 1, ribonuclease III; minus strand). Cytogenetic location: 14q32.13.
Variant type: single nucleotide variant.
Coding change: c.2753C>G on transcript NM_177438.3 (MANE Select); coding-DNA position 2753, C replaced by G.
Protein change: p.Thr918Arg; replaces threonine 918 with arginine.
Molecular consequence: missense variant. On other transcripts: non-coding transcript variant (6).
Genome position (GRCh38, 1-based): chr14:95,107,659, G>C on the plus strand (C>G on the coding strand, the complement: DICER1 is on the minus strand). VCF-style: chr14-95107659-G-C. GRCh37 (hg19) VCF-style: chr14-95573996-G-C.
Other names: c.2753C>G, p.Thr918Arg (NM_001195573.1, NM_001271282.3, NM_001291628.2 and 13 more transcripts); c.2471C>G, p.Thr824Arg (NM_001395686.1); c.2348C>G, p.Thr783Arg (NM_001395687.1, NM_001395688.1, NM_001395689.1 and 2 more transcripts); c.2186C>G, p.Thr729Arg (NM_001395691.1); c.1070C>G, p.Thr357Arg (NM_001395697.1); short protein forms T357R, T729R, T783R, T824R, T918R.
Identifiers: ClinVar variation 2674817 (VCV002674817.2), dbSNP rs1891556732, ClinGen allele CA390879516.
Genomic context (GRCh38, chr14:95,107,659, plus strand): 5'-AATACCTACCTTGGAATGATAACGGCATCTTGGTAATCTTCTAATTTAAAAACAAAGGGT[G>C]TTTCTTTTGTATACTTTGTACTGGGAATGCCTATGCGAGCTTCAGACTTCTCAATATCTT-3'
Protein context (NP_803187.1, residues 908-928): GIPSTKYTKE[Thr918Arg]PFVFKLEDYQ